The following is an entry in ClinVar:

NM_006231.4(POLE):c.2354T>C (p.Val785Ala)

Gene: POLE (DNA polymerase epsilon, catalytic subunit; minus strand). Cytogenetic location: 12q24.33.
Variant type: single nucleotide variant.
Coding change: c.2354T>C on transcript NM_006231.4 (MANE Select); coding-DNA position 2354, T replaced by C.
Protein change: p.Val785Ala; replaces valine 785 with alanine.
Molecular consequence: missense variant.
Genome position (GRCh38, 1-based): chr12:132,665,416, A>G on the plus strand (T>C on the coding strand, the complement: POLE is on the minus strand). VCF-style: chr12-132665416-A-G. GRCh37 (hg19) VCF-style: chr12-133242002-A-G.
Other names: short protein forms V785A.
Identifiers: ClinVar variation 3682563 (VCV003682563.2).

ClinVar aggregate classification (germline): Uncertain significance (1 of 4 stars; one submission).

Submission:

Labcorp Genetics (formerly Invitae), Labcorp
Classification: Uncertain significance. Last evaluated: 2024-08-31. Review status: criteria provided, single submitter. Criteria: Invitae Variant Classification Sherloc (09022015). Collection method: clinical testing. Allele origin: germline.
Comment: This sequence change replaces valine, which is neutral and non-polar, with alanine, which is neutral and non-polar, at codon 785 of the POLE protein (p.Val785Ala). This variant is not present in population databases (gnomAD no frequency). This variant has not been reported in the literature in individuals affected with POLE-related conditions. Invitae Evidence Modeling of protein sequence and biophysical properties (such as structural, functional, and spatial information, amino acid conservation, physicochemical variation, residue mobility, and thermodynamic stability) indicates that this missense variant is not expected to disrupt POLE protein function with a negative predictive value of 80%. In summary, the available evidence is currently insufficient to determine the role of this variant in disease. Therefore, it has been classified as a Variant of Uncertain Significance.